The following is an entry in ClinVar:

ClinVar aggregate classification (germline): Uncertain significance (1 of 4 stars; one submission).

Conditions:
Familial focal epilepsy with variable foci (FPEVF). Identifiers: Orphanet 98820, MedGen C1858477, MONDO:0020310.

Submission:

Labcorp Genetics (formerly Invitae), Labcorp
Classification: Uncertain significance for Familial focal epilepsy with variable foci. Last evaluated: 2024-11-24. Review status: criteria provided, single submitter. Criteria: Invitae Variant Classification Sherloc (09022015). Collection method: clinical testing. Allele origin: germline.
Comment: This sequence change replaces asparagine, which is neutral and polar, with lysine, which is basic and polar, at codon 1498 of the DEPDC5 protein (p.Asn1498Lys). This variant is not present in population databases (gnomAD no frequency). This variant has not been reported in the literature in individuals affected with DEPDC5-related conditions. Experimental studies and prediction algorithms are not available or were not evaluated, and the functional significance of this variant is currently unknown. In summary, the available evidence is currently insufficient to determine the role of this variant in disease. Therefore, it has been classified as a Variant of Uncertain Significance.

NM_001242896.3(DEPDC5):c.4494C>G (p.Asn1498Lys)

Gene: DEPDC5 (DEP domain containing 5, GATOR1 subcomplex subunit; plus strand). Cytogenetic location: 22q12.3.
Variant type: single nucleotide variant.
Coding change: c.4494C>G on transcript NM_001242896.3 (MANE Select); coding-DNA position 4494, C replaced by G.
Protein change: p.Asn1498Lys; replaces asparagine 1498 with lysine.
Molecular consequence: missense variant. On other transcripts: non-coding transcript variant (5).
Genome position (GRCh38, 1-based): chr22:31,906,041, C>G. VCF-style: chr22-31906041-C-G. GRCh37 (hg19) VCF-style: chr22-32302027-C-G.
Other names: c.4467C>G, p.Asn1489Lys (NM_001136029.4); c.4194C>G, p.Asn1398Lys (NM_001242897.2); c.4428C>G, p.Asn1476Lys (NM_001363852.2, NM_001364320.2); c.4260C>G, p.Asn1420Lys (NM_001363854.2, NM_001364319.2); c.4494C>G, p.Asn1498Lys (NM_001364318.2); c.4410C>G, p.Asn1470Lys (NM_001369901.1, NM_001369902.1); c.4401C>G, p.Asn1467Lys (NM_001369903.1, NM_014662.6); short protein forms N1476K, N1489K, N1398K, N1467K, N1420K, N1470K, N1498K.
Identifiers: ClinVar variation 3725963 (VCV003725963.2).
Genomic context (GRCh38, chr22:31,906,041, plus strand): 5'-TAGGTTTGGGTTTGTACAAGATAAATATTCTGCCTCTGCTTTTAACTTCCCTGCTGAGAA[C>G]AAGCCTCAGTATATCCACGTTACAGGTGAGGAGCTACGGGCAGAGTTGGGCAGGTGGGTC-3'
Protein context (NP_001229825.1, residues 1488-1508): SASAFNFPAE[Asn1498Lys]KPQYIHVTGT